The following is an entry in ClinVar:

ClinVar aggregate classification (germline): Conflicting classifications of pathogenicity. Review status: criteria provided, conflicting classifications (1 of 4 stars). 3 submissions from 3 submitters: Uncertain significance (2); Likely benign (1). Last evaluated 2026-02-01.

gnomAD v4.1: 6 of 1,210,808 alleles (0.0005%); highest among the groups gnomAD compares: Non-Finnish European, 0.00056%; no homozygotes.

Submissions (3):

CeGaT Center for Human Genetics Tuebingen
Classification: Likely benign. Last evaluated: 2026-02-01. Review status: criteria provided, single submitter. Criteria: CeGaT Center For Human Genetics Tuebingen Variant Classification Criteria Version 2. Collection method: clinical testing. Allele origin: germline. Affected: yes. Observed: 2 variant alleles.
Comment: IL1RAPL1: PM2, BS2

Labcorp Genetics (formerly Invitae), Labcorp
Classification: Uncertain significance. Last evaluated: 2025-01-27. Review status: criteria provided, single submitter. Criteria: Invitae Variant Classification Sherloc (09022015). Collection method: clinical testing. Allele origin: germline.
Comment: This sequence change replaces alanine, which is neutral and non-polar, with threonine, which is neutral and polar, at codon 117 of the IL1RAPL1 protein (p.Ala117Thr). This variant is not present in population databases (gnomAD no frequency). This variant has not been reported in the literature in individuals affected with IL1RAPL1-related conditions. ClinVar contains an entry for this variant (Variation ID: 1676150). An algorithm developed to predict the effect of missense changes on protein structure and function (PolyPhen-2) suggests that this variant is likely to be tolerated. In summary, the available evidence is currently insufficient to determine the role of this variant in disease. Therefore, it has been classified as a Variant of Uncertain Significance.

GeneDx
Classification: Uncertain significance. Last evaluated: 2023-04-24. Review status: criteria provided, single submitter. Criteria: GeneDx Variant Classification Process June 2021. Collection method: clinical testing. Allele origin: germline. Affected: yes.
Comment: Not observed at significant frequency in large population cohorts (gnomAD); In silico analysis supports that this missense variant does not alter protein structure/function; Has not been previously published as pathogenic or benign to our knowledge

NM_014271.4(IL1RAPL1):c.349G>A (p.Ala117Thr)

Gene: IL1RAPL1 (interleukin 1 receptor accessory protein like 1; plus strand). Cytogenetic location: Xp21.3.
Variant type: single nucleotide variant.
Coding change: c.349G>A on transcript NM_014271.4 (MANE Select); coding-DNA position 349, G replaced by A.
Protein change: p.Ala117Thr; replaces alanine 117 with threonine.
Molecular consequence: missense variant.
Genome position (GRCh38, 1-based): chrX:29,283,204, G>A. VCF-style: chrX-29283204-G-A. GRCh37 (hg19) VCF-style: chrX-29301321-G-A.
Other names: c.349G>A (NM_014271.3); short protein forms A117T.
Identifiers: ClinVar variation 1676150 (VCV001676150.36), dbSNP rs778199033, ClinGen allele CA10375397.